The following is an entry in ClinVar:

NM_000057.4(BLM):c.3647A>G (p.Lys1216Arg)

Gene: BLM (BLM RecQ like helicase; plus strand). Cytogenetic location: 15q26.1.
Variant type: single nucleotide variant.
Coding change: c.3647A>G on transcript NM_000057.4 (MANE Select); coding-DNA position 3647, A replaced by G.
Protein change: p.Lys1216Arg; replaces lysine 1216 with arginine.
Molecular consequence: missense variant. On other transcripts: intron variant (1).
Genome position (GRCh38, 1-based): chr15:90,804,255, A>G. VCF-style: chr15-90804255-A-G. GRCh37 (hg19) VCF-style: chr15-91347485-A-G.
Other names: c.3647A>G, p.Lys1216Arg (NM_001287246.2); c.2522A>G, p.Lys841Arg (NM_001287248.2); c.3359-4882A>G (NM_001287247.2); short protein forms K841R, K1216R.
Identifiers: ClinVar variation 1961401 (VCV001961401.2), dbSNP rs748798772, ClinGen allele CA7739086.

ClinVar aggregate classification (germline): Uncertain significance (1 of 4 stars; one submission).

Conditions:
Bloom syndrome (BLM). Also called: Bloom-Torre-Machacek syndrome. Identifiers: Orphanet 125, MedGen C0005859, MONDO:0008876, OMIM 210900.

Allele frequency attached by ClinVar (database versions not stated): gnomAD exomes below 0.00001; ExAC 0.00002.
gnomAD v4.1: 2 of 1,614,160 alleles (0.00012%); highest among the groups gnomAD compares: South Asian, 0.0022%; no homozygotes.

Submission:

Labcorp Genetics (formerly Invitae), Labcorp
Classification: Uncertain significance for Bloom syndrome. Last evaluated: 2022-09-30. Review status: criteria provided, single submitter. Criteria: Invitae Variant Classification Sherloc (09022015). Collection method: clinical testing. Allele origin: germline.
Comment: This sequence change replaces lysine, which is basic and polar, with arginine, which is basic and polar, at codon 1216 of the BLM protein (p.Lys1216Arg). This variant is present in population databases (rs748798772, gnomAD 0.006%). This variant has not been reported in the literature in individuals affected with BLM-related conditions. Advanced modeling of protein sequence and biophysical properties (such as structural, functional, and spatial information, amino acid conservation, physicochemical variation, residue mobility, and thermodynamic stability) performed at Invitae indicates that this missense variant is expected to disrupt BLM protein function. Algorithms developed to predict the effect of sequence changes on RNA splicing suggest that this variant may disrupt the consensus splice site. In summary, the available evidence is currently insufficient to determine the role of this variant in disease. Therefore, it has been classified as a Variant of Uncertain Significance.